The following is an entry in ClinVar:

NM_000138.5(FBN1):c.300C>T (p.Cys100=)

Gene: FBN1 (fibrillin 1; minus strand). Cytogenetic location: 15q21.1.
Variant type: single nucleotide variant.
Coding change: c.300C>T on transcript NM_000138.5 (MANE Select); coding-DNA position 300, C replaced by T.
Protein change: p.Cys100=; no amino-acid change (cysteine 100 retained).
Molecular consequence: synonymous variant.
Genome position (GRCh38, 1-based): chr15:48,610,774, G>A on the plus strand (C>T on the coding strand, the complement: FBN1 is on the minus strand). VCF-style: chr15-48610774-G-A. GRCh37 (hg19) VCF-style: chr15-48902971-G-A.
Identifiers: ClinVar variation 42323 (VCV000042323.4), dbSNP rs397515783, ClinGen allele CA013631.
Genomic context (GRCh38, chr15:48,610,774, plus strand): 5'-CATGTTAGACTTACTGGATCTGGAGCCACAGGAAGGAGCTATCTGACCAGATGGGCAAGT[G>A]CACATATTTGGCCTCGAACAAAATCCATCCCCACAGGAATGCCGGCAAATGGCTGTGAAT-3'
Protein context (NP_000129.3, residues 90-110): GDGFCSRPNM[Cys100=]TCPSGQIAPS

ClinVar aggregate classification (germline): Likely benign (1 of 4 stars; one submission).

Submission:

Laboratory for Molecular Medicine, Mass General Brigham Personalized Medicine
Classification: Likely benign. Last evaluated: 2012-04-19. Review status: criteria provided, single submitter. Criteria: LMM Criteria. Collection method: clinical testing. Allele origin: germline. Observed: 1 variant allele.
Comment: Cys100Cys in exon 3 of FBN1: This variant is not expected to have clinical signi ficance because it does not alter an amino acid residue and is not located withi n the splice consensus sequence. However, this variant is immediately adjacent to the likely pathogenic variant c.200G>T (p.Cys100Phe) listed above. Testing o f parental DNA would be needed to determine whether these FBN1 variants occur in trans (on separate copies of the gene) or in cis (same copy of the gene; c.299_ 300delinsTT, p.Cys100Phe) or occurred de novo.